The following is an entry in ClinVar:

ClinVar aggregate classification (germline): Likely benign. Review status: criteria provided, multiple submitters, no conflicts (2 of 4 stars). 2 submissions from 2 submitters: Likely benign (2). Last evaluated 2025-02-21.

Allele frequency attached by ClinVar (database versions not stated): gnomAD exomes 0.00001.
gnomAD v4.1: 3 of 1,572,212 alleles (0.00019%); highest among the groups gnomAD compares: Non-Finnish European, 0.00026%; no homozygotes.

Submissions (2):

Labcorp Genetics (formerly Invitae), Labcorp
Classification: Likely benign. Last evaluated: 2025-02-21. Review status: criteria provided, single submitter. Criteria: Invitae Variant Classification Sherloc (09022015). Collection method: clinical testing. Allele origin: germline.

CeGaT Center for Human Genetics Tuebingen
Classification: Likely benign. Last evaluated: 2024-12-01. Review status: criteria provided, single submitter. Criteria: CeGaT Center For Human Genetics Tuebingen Variant Classification Criteria Version 2. Collection method: clinical testing. Allele origin: germline. Affected: yes. Observed: 2 variant alleles.
Comment: NEFH: BP4, BP7

NM_021076.4(NEFH):c.2115T>C (p.Pro705=)

Gene: NEFH (neurofilament heavy chain; plus strand). Cytogenetic location: 22q12.2.
Variant type: single nucleotide variant.
Coding change: c.2115T>C on transcript NM_021076.4 (MANE Select); coding-DNA position 2115, T replaced by C.
Protein change: p.Pro705=; no amino-acid change (proline 705 retained).
Molecular consequence: synonymous variant.
Genome position (GRCh38, 1-based): chr22:29,489,755, T>C. VCF-style: chr22-29489755-T-C. GRCh37 (hg19) VCF-style: chr22-29885744-T-C.
Identifiers: ClinVar variation 3025851 (VCV003025851.23), dbSNP rs1224925186, ClinGen allele CA514338962.